The following is an entry in ClinVar:

NM_000363.5(TNNI3):c.628A>G (p.Ser210Gly)

Gene: TNNI3 (troponin I3, cardiac type; minus strand). Cytogenetic location: 19q13.42.
Variant type: single nucleotide variant.
Coding change: c.628A>G on transcript NM_000363.5 (MANE Select); coding-DNA position 628, A replaced by G.
Protein change: p.Ser210Gly; replaces serine 210 with glycine.
Molecular consequence: missense variant.
Genome position (GRCh38, 1-based): chr19:55,151,839, T>C on the plus strand (A>G on the coding strand, the complement: TNNI3 is on the minus strand). VCF-style: chr19-55151839-T-C. GRCh37 (hg19) VCF-style: chr19-55663207-T-C.
Other names: short protein forms S210G.
Identifiers: ClinVar variation 2859312 (VCV002859312.3), dbSNP rs1599907495, ClinGen allele CA407439388.

ClinVar aggregate classification (germline): Uncertain significance (1 of 4 stars; one submission).

Conditions:
Hypertrophic cardiomyopathy. Also called: HYPERTROPHIC MYOCARDIOPATHY. Identifiers: Orphanet 217569, MedGen C0007194, MeSH D002312, MONDO:0005045, HP:0001639.

Submission:

Labcorp Genetics (formerly Invitae), Labcorp
Classification: Uncertain significance for Hypertrophic cardiomyopathy. Last evaluated: 2023-04-26. Review status: criteria provided, single submitter. Criteria: Invitae Variant Classification Sherloc (09022015). Collection method: clinical testing. Allele origin: germline.
Comment: In summary, the available evidence is currently insufficient to determine the role of this variant in disease. Therefore, it has been classified as a Variant of Uncertain Significance. Algorithms developed to predict the effect of missense changes on protein structure and function output the following: SIFT: "Not Available"; PolyPhen-2: "Benign"; Align-GVGD: "Not Available". The glycine amino acid residue is found in multiple mammalian species, which suggests that this missense change does not adversely affect protein function. This variant has not been reported in the literature in individuals affected with TNNI3-related conditions. This variant is not present in population databases (gnomAD no frequency). This sequence change replaces serine, which is neutral and polar, with glycine, which is neutral and non-polar, at codon 210 of the TNNI3 protein (p.Ser210Gly).